The following is an entry in ClinVar:

NM_153240.5(NPHP3):c.3872AAG[1] (p.Glu1292del)

Genes: NPHP3 (nephrocystin 3; minus strand), NPHP3-ACAD11 (NPHP3-ACAD11 readthrough (NMD candidate); minus strand). Cytogenetic location: 3q22.1.
Variant type: Microsatellite.
Coding change: c.3872AAG[1] on transcript NM_153240.5 (MANE Select); one copy of the 3-base unit AAG starting at c.3872; the reference has two copies in a row; one copy, 3 bases deleted.
Protein change: p.Glu1292del; deletes glutamic acid 1292.
Molecular consequence: inframe deletion. On other transcripts: non-coding transcript variant (1).
Genome position (GRCh38, 1-based): chr3:132,682,026-132,682,028, CTT deleted on the plus strand (AAG on the coding strand, the reverse complement: NPHP3 is on the minus strand); deleting any 3 consecutive bases within chr3:132,682,026-132,682,031 gives the same sequence; the position shown is the placement nearest the transcript's 3' end. VCF-style (leftmost placement, unchanged base first): chr3-132682025-GCTT-G. GRCh37 (hg19) VCF-style: chr3-132400869-GCTT-G.
Other names: short protein forms E1292del.
Identifiers: ClinVar variation 949854 (VCV000949854.9), dbSNP rs1200012206, ClinGen allele CA899013744.

ClinVar aggregate classification (germline): Uncertain significance (1 of 4 stars; one submission).

Conditions:
Nephronophthisis. Also called: Juvenile Nephronophthisis. Identifiers: Orphanet 655, MedGen C0687120, MONDO:0019005, HP:0000090.

Submission:

Labcorp Genetics (formerly Invitae), Labcorp
Classification: Uncertain significance for Nephronophthisis. Last evaluated: 2022-07-26. Review status: criteria provided, single submitter. Criteria: Invitae Variant Classification Sherloc (09022015). Collection method: clinical testing. Allele origin: germline.
Comment: This variant, c.3875_3877del, results in the deletion of 1 amino acid(s) of the NPHP3 protein (p.Glu1292del), but otherwise preserves the integrity of the reading frame. This variant is not present in population databases (gnomAD no frequency). This variant has not been reported in the literature in individuals affected with NPHP3-related conditions. ClinVar contains an entry for this variant (Variation ID: 949854). Experimental studies and prediction algorithms are not available or were not evaluated, and the functional significance of this variant is currently unknown. In summary, the available evidence is currently insufficient to determine the role of this variant in disease. Therefore, it has been classified as a Variant of Uncertain Significance.